The following is an entry in ClinVar:

NM_004369.4(COL6A3):c.8670_8690dup (p.Thr2898_Ile2899insThrThrThrLysProValThr)

Gene: COL6A3 (collagen type VI alpha 3 chain; minus strand). Cytogenetic location: 2q37.3.
Variant type: Duplication.
Coding change: c.8670_8690dup on transcript NM_004369.4 (MANE Select); coding-DNA positions 8670 to 8690, 21 bases duplicated (AACCACCACAACAAAGCCTGT).
Protein change: p.Thr2898_Ile2899insThrThrThrLysProValThr.
Genome position (GRCh38, 1-based): chr2:237,336,410-237,336,430, ACAGGCTTTGTTGTGGTGGTT duplicated on the plus strand (AACCACCACAACAAAGCCTGT on the coding strand, the reverse complement: COL6A3 is on the minus strand); duplicating any 21 consecutive bases within chr2:237,336,410-237,336,450 gives the same sequence; the c. name uses the placement nearest the transcript's 3' end. VCF-style (leftmost placement, unchanged base first): chr2-237336409-C-CACAGGCTTTGTTGTGGTGGTT. GRCh37 (hg19) VCF-style: chr2-238245052-C-CACAGGCTTTGTTGTGGTGGTT.
Other names: c.6849_6869dup, p.Thr2291_Ile2292insThrThrThrLysProValThr (NM_057166.5); c.8052_8072dup, p.Thr2692_Ile2693insThrThrThrLysProValThr (NM_057167.4).
Identifiers: ClinVar variation 1989571 (VCV001989571.4), dbSNP rs746284792, ClinGen allele CA1043806476.
Genomic context (GRCh38, chr2:237,336,409, plus strand): 5'-AGGTTTCGCAGGGGCCGGCTTTGCAGCGGCTGGCTTCACAGATGGCTGATTTATAATAGT[C>CACAGGCTTTGTTGTGGTGGTT]ACAGGCTTTGTTGTGGTGGTTACAGGCTTTGTTGTGGTGGTCACCGGCTTCGTCGTAGTC-3'

ClinVar aggregate classification (germline): Uncertain significance (1 of 4 stars; one submission).

Conditions:
Bethlem myopathy 1A. Also called: MYOPATHY, BENIGN CONGENITAL, WITH CONTRACTURES; Bethlem myopathy 1; Bethlem Muscular Dystrophy. Identifiers: Orphanet 610, MedGen CN029274, MONDO:0024530, OMIM 158810.

Submission:

Labcorp Genetics (formerly Invitae), Labcorp
Classification: Uncertain significance for Bethlem myopathy 1A. Last evaluated: 2022-06-04. Review status: criteria provided, single submitter. Criteria: Invitae Variant Classification Sherloc (09022015). Collection method: clinical testing. Allele origin: germline.
Comment: This variant, c.8670_8690dup, results in the insertion of 7 amino acid(s) of the COL6A3 protein (p.Thr2892_Thr2898dup), but otherwise preserves the integrity of the reading frame. In summary, the available evidence is currently insufficient to determine the role of this variant in disease. Therefore, it has been classified as a Variant of Uncertain Significance. Algorithms developed to predict the effect of sequence changes on RNA splicing suggest that this variant may create or strengthen a splice site. Experimental studies and prediction algorithms are not available or were not evaluated, and the functional significance of this variant is currently unknown. This variant has not been reported in the literature in individuals affected with COL6A3-related conditions. This variant is not present in population databases (gnomAD no frequency).